The following is an entry in ClinVar:

ClinVar aggregate classification (germline): Conflicting classifications of pathogenicity. Review status: criteria provided, conflicting classifications (1 of 4 stars). 5 submissions from 5 submitters: Uncertain significance (4); Benign (1). Last evaluated 2025-07-23.

Conditions:
Inborn genetic diseases. Identifiers: MedGen C0950123, MeSH D030342.
Finnish type amyloidosis. Also called: Lattice corneal dystrophy associated with familial systemic amyloidosis; Meretoja's syndrome; Lattice dystrophy of the cornea with hereditary generalized amyloidosis; AMYLOID CRANIAL NEUROPATHY WITH LATTICE CORNEAL DYSTROPHY; AMYLOIDOSIS DUE TO MUTANT GELSOLIN; Amyloidosis, familial, Finnish type. Identifiers: Orphanet 85448, MedGen C1622345, MONDO:0007097, OMIM 105120.

Allele frequency attached by ClinVar (database versions not stated): gnomAD exomes 0.00006; ExAC 0.00007; gnomAD 0.00007; TOPMed 0.00007; ESP Exome Variant Server 0.00008; 1000 Genomes Project 30x 0.00016; 1000 Genomes Project 0.00020.
gnomAD v4.1: 69 of 1,614,050 alleles (0.0043%); highest among the groups gnomAD compares: South Asian, 0.0066%; no homozygotes.

Submissions (5):

Labcorp Genetics (formerly Invitae), Labcorp
Classification: Uncertain significance. Last evaluated: 2025-07-23. Review status: criteria provided, single submitter. Criteria: Invitae Variant Classification Sherloc (09022015). Collection method: clinical testing. Allele origin: germline.
Comment: This sequence change replaces arginine, which is basic and polar, with tryptophan, which is neutral and slightly polar, at codon 234 of the GSN protein (p.Arg234Trp). This variant is present in population databases (rs371175865, gnomAD 0.01%). This variant has not been reported in the literature in individuals affected with GSN-related conditions. ClinVar contains an entry for this variant (Variation ID: 913911). Invitae Evidence Modeling of protein sequence and biophysical properties (such as structural, functional, and spatial information, amino acid conservation, physicochemical variation, residue mobility, and thermodynamic stability) indicates that this missense variant is expected to disrupt GSN protein function with a positive predictive value of 80%. In summary, the available evidence is currently insufficient to determine the role of this variant in disease. Therefore, it has been classified as a Variant of Uncertain Significance.

Mayo Clinic Laboratories, Mayo Clinic
Classification: Uncertain significance. Last evaluated: 2025-07-23. Review status: criteria provided, single submitter. Criteria: ACMG Guidelines, 2015. Collection method: clinical testing. Allele origin: germline. Observed: 1 variant allele.

Ambry Genetics
Classification: Uncertain significance for Inborn genetic diseases. Last evaluated: 2023-11-14. Review status: criteria provided, single submitter. Criteria: Ambry Variant Classification Scheme 2023. Collection method: clinical testing. Allele origin: germline.

Genetic Services Laboratory, University of Chicago
Classification: Uncertain significance. Last evaluated: 2023-05-16. Review status: criteria provided, single submitter. Criteria: ACMG Guidelines, 2015. Collection method: clinical testing. Allele origin: germline. Affected: no.
Comment: DNA sequence analysis of the GSN gene demonstrated a sequence change, c.700C>T, in exon 5 that results in an amino acid change, p.Arg234Trp. This sequence change does not appear to have been previously described in individuals with GSN-related disorders. This sequence change has been described in the gnomAD database with a frequency of 0.011% in the European subpopulation (dbSNP rs371175865). The p.Arg234Trp change affects a poorly conserved amino acid residue located in a domain of the GSN protein that is known to be functional. In-silico pathogenicity prediction tools (SIFT, PolyPhen2, Align GVGD, REVEL) provide contradictory results for the p.Arg234Trp substitution. Due to insufficient evidence and the lack of functional studies, the clinical significance of the p.Arg234Trp change remains unknown at this time.

Illumina Laboratory Services, Illumina
Classification: Benign for Finnish type amyloidosis. Last evaluated: 2018-03-20. Review status: criteria provided, single submitter. Criteria: ICSL Variant Classification Criteria 13 December 2019. Collection method: clinical testing. Allele origin: germline.
Comment: This variant was observed in the ICSL laboratory as part of a predisposition screen in an ostensibly healthy population. It had not been previously curated by ICSL or reported in the Human Gene Mutation Database (HGMD: prior to June 1st, 2018), and was therefore a candidate for classification through an automated scoring system. Utilizing variant allele frequency, disease prevalence and penetrance estimates, and inheritance mode, an automated score was calculated to assess if this variant is too frequent to cause the disease. Based on the score and internal cut-off values, a variant classified as benign is not then subjected to further curation. The score for this variant resulted in a classification of benign for this disease.

NM_198252.3(GSN):c.547C>T (p.Arg183Trp)

Gene: GSN (gelsolin; plus strand). Cytogenetic location: 9q33.2.
Variant type: single nucleotide variant.
Coding change: c.547C>T on transcript NM_198252.3 (MANE Select); coding-DNA position 547, C replaced by T.
Protein change: p.Arg183Trp; replaces arginine 183 with tryptophan.
Molecular consequence: missense variant. On other transcripts: 5 prime UTR variant (1).
Genome position (GRCh38, 1-based): chr9:121,312,372, C>T. VCF-style: chr9-121312372-C-T. GRCh37 (hg19) VCF-style: chr9-124074650-C-T.
Other names: p.Arg234Trp; c.700C>T, p.Arg234Trp (NM_000177.5); c.547C>T, p.Arg183Trp (NM_001127662.2, NM_001127664.2, NM_001127665.2 and 10 more transcripts); c.655C>T, p.Arg219Trp (NM_001127663.2); c.580C>T, p.Arg194Trp (NM_001127666.2, NM_001127667.2, NM_001353063.2 and 13 more transcripts); c.598C>T, p.Arg200Trp (NM_001258029.2); c.571C>T, p.Arg191Trp (NM_001258030.2); c.619C>T, p.Arg207Trp (NM_001353076.2); and 1 more; short protein forms R200W, R207W, R219W, R183W, R191W, R194W, R234W.
Identifiers: ClinVar variation 913911 (VCV000913911.13), dbSNP rs371175865, ClinGen allele CA5220935.
Genomic context (GRCh38, chr9:121,312,372, plus strand): 5'-CTGACTTCCTGGGTCTCTGTCTTCCAGAACATCCACCAGTGGTGTGGTTCCAACAGCAAT[C>T]GGTATGAAAGACTGAAGGCCACACAGGTGTCCAAGGGCATCCGGGACAACGAGCGGAGTG-3'
Protein context (NP_937895.1, residues 173-193): IHQWCGSNSN[Arg183Trp]YERLKATQVS